The following is an entry in ClinVar:

NM_178452.6(DNAAF1):c.362G>A (p.Arg121His)

Gene: DNAAF1 (dynein axonemal assembly factor 1; plus strand). Cytogenetic location: 16q24.1.
Variant type: single nucleotide variant.
Coding change: c.362G>A on transcript NM_178452.6 (MANE Select); coding-DNA position 362, G replaced by A.
Protein change: p.Arg121His; replaces arginine 121 with histidine.
Molecular consequence: missense variant.
Genome position (GRCh38, 1-based): chr16:84,154,586, G>A. VCF-style: chr16-84154586-G-A. GRCh37 (hg19) VCF-style: chr16-84188191-G-A.
Other names: short protein forms R121H.
Identifiers: ClinVar variation 845510 (VCV000845510.12), dbSNP rs34897947, ClinGen allele CA8202475.

ClinVar aggregate classification (germline): Uncertain significance. Review status: criteria provided, multiple submitters, no conflicts (2 of 4 stars). 4 submissions from 4 submitters: Uncertain significance (4). Last evaluated 2022-06-14.

Conditions:
Primary ciliary dyskinesia. Also called: Ciliary dyskinesia. Identifiers: Orphanet 244, MedGen C0008780, MONDO:0016575, HP:0012265.
Primary ciliary dyskinesia 13. Also called: CILIARY DYSKINESIA, PRIMARY, 13, WITH OR WITHOUT SITUS INVERSUS. Identifiers: Orphanet 244, MedGen C2750790, MONDO:0013174, OMIM 613193.

Allele frequency attached by ClinVar (database versions not stated): ExAC 0.00011; TOPMed 0.00011; 1000 Genomes Project 30x 0.00016; 1000 Genomes Project 0.00020.
gnomAD v4.1: 132 of 1,614,014 alleles (0.0082%); highest among the groups gnomAD compares: Admixed American, 0.078%; no homozygotes.

Submissions (4):

Labcorp Genetics (formerly Invitae), Labcorp
Classification: Uncertain significance for Primary ciliary dyskinesia. Last evaluated: 2022-06-14. Review status: criteria provided, single submitter. Criteria: Invitae Variant Classification Sherloc (09022015). Collection method: clinical testing. Allele origin: germline.
Comment: This sequence change replaces arginine, which is basic and polar, with histidine, which is basic and polar, at codon 121 of the DNAAF1 protein (p.Arg121His). This variant is present in population databases (rs34897947, gnomAD 0.06%). This variant has not been reported in the literature in individuals affected with DNAAF1-related conditions. ClinVar contains an entry for this variant (Variation ID: 845510). Algorithms developed to predict the effect of missense changes on protein structure and function (SIFT, PolyPhen-2, Align-GVGD) all suggest that this variant is likely to be tolerated. In summary, the available evidence is currently insufficient to determine the role of this variant in disease. Therefore, it has been classified as a Variant of Uncertain Significance.

Fulgent Genetics
Classification: Uncertain significance for Primary ciliary dyskinesia 13. Last evaluated: 2022-02-24. Review status: criteria provided, single submitter. Criteria: ACMG Guidelines, 2015. Collection method: clinical testing. Allele origin: unknown.

Illumina Laboratory Services, Illumina
Classification: Uncertain significance for Primary ciliary dyskinesia 13. Last evaluated: 2018-01-12. Review status: criteria provided, single submitter. Criteria: ICSL Variant Classification Criteria 13 December 2019. Collection method: clinical testing. Allele origin: germline.

Ambry Genetics
Classification: Uncertain significance for Primary ciliary dyskinesia. Last evaluated: 2014-09-12. Review status: criteria provided, single submitter. Criteria: Ambry Variant Classification Scheme 2023. Collection method: clinical testing. Allele origin: germline.
Comment: The p.R121H variant (also known as c.362G>A), located in coding exon 4 of the DNAAF1 gene, results from a G to A substitution at nucleotide position 362. The arginine at codon 121 is replaced by histidine, an amino acid with highly similar properties. This variant was previously reported in the SNPDatabase as rs34897947. Based on data from the 1000 Genomes Project, the A allele has an overall frequency of approximately 0.05% (1/2098) total alleles studied. The highest observed frequency was 0.94% (1/106) African-American SW alleles. This amino acid position is not well conserved in available vertebrate species. In addition, this alteration is predicted to be probably damaging but tolerated by PolyPhen and SIFT in silico analyses, respectively. Since supporting evidence is limited at this time, the clinical significance of this variant remains unclear.